The following is an entry in ClinVar:

NM_000392.5(ABCC2):c.2455A>G (p.Thr819Ala)

Gene: ABCC2 (ATP binding cassette subfamily C member 2; plus strand). Cytogenetic location: 10q24.2.
Variant type: single nucleotide variant.
Coding change: c.2455A>G on transcript NM_000392.5 (MANE Select); coding-DNA position 2455, A replaced by G.
Protein change: p.Thr819Ala; replaces threonine 819 with alanine.
Molecular consequence: missense variant.
Genome position (GRCh38, 1-based): chr10:99,819,104, A>G. VCF-style: chr10-99819104-A-G. GRCh37 (hg19) VCF-style: chr10-101578861-A-G.
Other names: p.Thr819Ala; short protein forms T819A.
Identifiers: ClinVar variation 2683119 (VCV002683119.1), dbSNP rs771649861, ClinGen allele CA5643491.

ClinVar aggregate classification (germline): Uncertain significance (1 of 4 stars; one submission).

Allele frequency attached by ClinVar (database versions not stated): ExAC 0.00001; gnomAD exomes 0.00001.
gnomAD v4.1: 5 of 1,614,180 alleles (0.00031%); highest among the groups gnomAD compares: South Asian, 0.0033%; no homozygotes.

Submission:

Mayo Clinic Laboratories, Mayo Clinic
Classification: Uncertain significance. Last evaluated: 2022-12-08. Review status: criteria provided, single submitter. Criteria: ACMG Guidelines, 2015. Collection method: clinical testing. Allele origin: germline. Observed: 1 variant allele.
Comment: PM2